The following is an entry in ClinVar:

ClinVar aggregate classification (germline): Uncertain significance. Review status: criteria provided, multiple submitters, no conflicts (2 of 4 stars). 2 submissions from 2 submitters: Uncertain significance (2). Last evaluated 2025-06-20.

Conditions:
Long QT syndrome (LQTS). Identifiers: MedGen C0023976, MeSH D008133, MONDO:0002442. Disease mechanism: loss of function. Inheritance: Various modes of inheritance.
Long QT syndrome 11 (LQT11). Identifiers: Orphanet 101016, Orphanet 768, MedGen C2678483, MONDO:0012738, OMIM 611820.

gnomAD v4.1: 1 of 1,609,782 alleles (0.000062%); highest among the groups gnomAD compares: Non-Finnish European, 0.000085%; no homozygotes.

Submissions (2):

Labcorp Genetics (formerly Invitae), Labcorp
Classification: Uncertain significance for Long QT syndrome. Last evaluated: 2025-06-20. Review status: criteria provided, single submitter. Criteria: Invitae Variant Classification Sherloc (09022015). Collection method: clinical testing. Allele origin: germline.
Comment: This sequence change creates a premature translational stop signal (p.Gln1692*) in the AKAP9 gene. It is expected to result in an absent or disrupted protein product. However, the current clinical and genetic evidence is not sufficient to establish whether loss-of-function variants in AKAP9 cause disease. This variant is not present in population databases (gnomAD no frequency). This variant has not been reported in the literature in individuals affected with AKAP9-related conditions. In summary, the available evidence is currently insufficient to determine the role of this variant in disease. Therefore, it has been classified as a Variant of Uncertain Significance.

Revvity Omics, Revvity
Classification: Uncertain significance for Long QT syndrome 11. Last evaluated: 2023-10-11. Review status: criteria provided, single submitter. Criteria: ACMG Guidelines, 2015. Collection method: clinical testing. Allele origin: germline.

NM_005751.5(AKAP9):c.5074C>T (p.Gln1692Ter)

Gene: AKAP9 (A-kinase anchoring protein 9; plus strand). Cytogenetic location: 7q21.2.
Variant type: single nucleotide variant.
Coding change: c.5074C>T on transcript NM_005751.5 (MANE Select); coding-DNA position 5074, C replaced by T.
Protein change: p.Gln1692Ter; replaces glutamine 1692 with a stop codon.
Molecular consequence: nonsense.
Genome position (GRCh38, 1-based): chr7:92,042,683, C>T. VCF-style: chr7-92042683-C-T. GRCh37 (hg19) VCF-style: chr7-91671997-C-T.
Other names: c.5074C>T, p.Gln1692Ter (NM_147185.3); short protein forms Q1692*.
Identifiers: ClinVar variation 4077883 (VCV004077883.2).